The following is an entry in ClinVar:

NM_022455.5(NSD1):c.5990A>C (p.Tyr1997Ser)

Gene: NSD1 (nuclear receptor binding SET domain protein 1; plus strand). Cytogenetic location: 5q35.3.
Variant type: single nucleotide variant.
Coding change: c.5990A>C on transcript NM_022455.5 (MANE Select); coding-DNA position 5990, A replaced by C.
Protein change: p.Tyr1997Ser; replaces tyrosine 1997 with serine.
Molecular consequence: missense variant.
Genome position (GRCh38, 1-based): chr5:177,282,562, A>C. VCF-style: chr5-177282562-A-C. GRCh37 (hg19) VCF-style: chr5-176709563-A-C.
Other names: c.5117A>C, p.Tyr1706Ser (NM_001365684.2, NM_001409308.1, NM_001409309.1 and 1 more transcripts); c.5990A>C, p.Tyr1997Ser (NM_001409301.1, NM_001409302.1, NM_001409303.1); c.5570A>C, p.Tyr1857Ser (NM_001409304.1); c.5237A>C, p.Tyr1746Ser (NM_001409305.1); c.5228A>C, p.Tyr1743Ser (NM_001409306.1, NM_001409307.1); short protein forms Y1706S, Y1743S, Y1746S, Y1857S, Y1997S.
Identifiers: ClinVar variation 4975060 (VCV004975060.1).

ClinVar aggregate classification (germline): Pathogenic (1 of 4 stars; one submission).

Submission:

GeneDx
Classification: Pathogenic. Last evaluated: 2026-03-15. Review status: criteria provided, single submitter. Criteria: GeneDx Variant Classification Process June 2021. Collection method: clinical testing. Allele origin: germline.
Comment: Not observed at significant frequency in large population cohorts (gnomAD); In silico analysis supports that this missense variant has a deleterious effect on protein structure/function; This variant is associated with the following publications: (PMID: 27834868, 15942875, 28475857)